The following is an entry in ClinVar:

ClinVar aggregate classification (germline): Uncertain significance (1 of 4 stars; one submission).

Conditions:
Catecholaminergic polymorphic ventricular tachycardia (CVPT). Also called: Catecholamine-induced polymorphic ventricular tachycardia. Identifiers: Orphanet 3286, MedGen C5574922, MONDO:0017990.

Submission:

All of Us Research Program, National Institutes of Health
Classification: Uncertain significance for Catecholaminergic polymorphic ventricular tachycardia. Last evaluated: 2024-07-20. Review status: criteria provided, single submitter. Criteria: ACMG Guidelines, 2015. Collection method: clinical testing. Allele origin: germline. Inheritance: Autosomal dominant inheritance. Observed: 1 variant allele, 1 heterozygote.
Comment: This missense variant replaces glutamic acid with valine at codon 928 of the RYR2 protein. Computational prediction suggests that this variant may have deleterious impact on protein structure and function (internally defined REVEL score threshold >= 0.7, PMID: 27666373). To our knowledge, functional studies have not been reported for this variant. This variant has not been reported in individuals affected with RYR2-related disorders in the literature. This variant has not been identified in the general population by the Genome Aggregation Database (gnomAD). The available evidence is insufficient to determine the role of this variant in disease conclusively. Therefore, this variant is classified as a Variant of Uncertain Significance.

This study involves interpretation of variants in research participants for the purpose of population health screening. Participant phenotype was not available at the time of variant classification. Additional details can be found in publication PMID: 35346344, PMCID: PMC8962531

NM_001035.3(RYR2):c.2783A>T (p.Glu928Val)

Gene: RYR2 (ryanodine receptor 2; plus strand). Cytogenetic location: 1q43.
Variant type: single nucleotide variant.
Coding change: c.2783A>T on transcript NM_001035.3 (MANE Select); coding-DNA position 2783, A replaced by T.
Protein change: p.Glu928Val; replaces glutamic acid 928 with valine.
Molecular consequence: missense variant.
Genome position (GRCh38, 1-based): chr1:237,511,752, A>T. VCF-style: chr1-237511752-A-T. GRCh37 (hg19) VCF-style: chr1-237675052-A-T.
Other names: short protein forms E928V.
Identifiers: ClinVar variation 3385695 (VCV003385695.1).